The following is an entry in ClinVar:

ClinVar aggregate classification (germline): Uncertain significance. Review status: criteria provided, multiple submitters, no conflicts (2 of 4 stars). 7 submissions from 7 submitters: Uncertain significance (5). 2 of the submissions do not count toward it. Last evaluated 2026-06-25.

Conditions:
Inborn genetic diseases. Identifiers: MedGen C0950123, MeSH D030342.
Roberts-SC phocomelia syndrome (RBS). Also called: ESCO2 Spectrum Disorder; Hypomelia hypotrichosis facial hemangioma syndrome; Pseudothalidomide syndrome; Appelt-Gerken-Lenz syndrome; LONG BONE DEFICIENCIES ASSOCIATED WITH CLEFT LIP-PALATE. Identifiers: Orphanet 3103, MedGen C0392475, MONDO:0100253, OMIM 268300.

Allele frequency attached by ClinVar (database versions not stated): 1000 Genomes Project 0.00020; gnomAD exomes 0.00051; 1000 Genomes Project 30x 0.00016; gnomAD 0.00067; TOPMed 0.00077; ExAC 0.00050; ESP Exome Variant Server 0.00115.
gnomAD v4.1: 1,528 of 1,613,066 alleles (0.095%); highest among the groups gnomAD compares: Non-Finnish European, 0.12%; 1 homozygote.

Submissions (7):

Women's Health and Genetics/Laboratory Corporation of America, LabCorp
Classification: Uncertain significance. Last evaluated: 2026-06-25. Review status: criteria provided, single submitter. Criteria: LabCorp Variant Classification Summary - May 2015. Collection method: clinical testing. Allele origin: germline.
Comment: Variant summary: ESCO2 c.1031A>C (p.Gln344Pro) results in a non-conservative amino acid change in the encoded protein sequence. Algorithms developed to predict the effect of missense changes on protein structure and function are either unavailable or do not agree on the potential impact of this missense change. The variant allele was found at a frequency of 0.00051 in 251018 control chromosomes. This frequency is not significantly higher than estimated for disease-causing variants in ESCO2, allowing no conclusion about variant significance. To our knowledge, no occurrence of c.1031A>C in individuals affected with ESCO2-related conditions and no experimental evidence demonstrating its impact on protein function have been reported. ClinVar contains an entry for this variant (Variation ID: 198112). Based on the evidence outlined above, the variant was classified as uncertain significance.

Ambry Genetics
Classification: Uncertain significance for Inborn genetic diseases. Last evaluated: 2022-11-11. Review status: criteria provided, single submitter. Criteria: Ambry Variant Classification Scheme 2023. Collection method: clinical testing. Allele origin: germline.

Labcorp Genetics (formerly Invitae), Labcorp
Classification: Uncertain significance. Last evaluated: 2022-09-06. Review status: criteria provided, single submitter. Criteria: Invitae Variant Classification Sherloc (09022015). Collection method: clinical testing. Allele origin: germline.
Comment: This sequence change replaces glutamine, which is neutral and polar, with proline, which is neutral and non-polar, at codon 344 of the ESCO2 protein (p.Gln344Pro). This variant is present in population databases (rs143346057, gnomAD 0.1%), and has an allele count higher than expected for a pathogenic variant. This variant has not been reported in the literature in individuals affected with ESCO2-related conditions. ClinVar contains an entry for this variant (Variation ID: 198112). Algorithms developed to predict the effect of missense changes on protein structure and function output the following: SIFT: "Tolerated"; PolyPhen-2: "Benign"; Align-GVGD: "Class C0". The proline amino acid residue is found in multiple mammalian species, which suggests that this missense change does not adversely affect protein function. In summary, the available evidence is currently insufficient to determine the role of this variant in disease. Therefore, it has been classified as a Variant of Uncertain Significance.

Illumina Laboratory Services, Illumina
Classification: Uncertain significance for Roberts-SC phocomelia syndrome. Last evaluated: 2018-01-13. Review status: criteria provided, single submitter. Criteria: ICSL Variant Classification Criteria 13 December 2019. Collection method: clinical testing. Allele origin: germline.

Eurofins Ntd Llc (ga)
Classification: Uncertain significance. Last evaluated: 2015-05-13. Review status: criteria provided, single submitter. Criteria: EGL Classification Definitions 2015. Collection method: clinical testing. Allele origin: germline. Observed: 1 variant allele, 1 heterozygote.

Clinical Genetics DNA and cytogenetics Diagnostics Lab, Erasmus MC, Erasmus Medical Center
Classification: Likely benign. Review status: no assertion criteria provided. Collection method: clinical testing. Allele origin: germline. Affected: yes. Study: VKGL Data-share Consensus. Not counted in ClinVar's aggregate classification.

Laboratory of Diagnostic Genome Analysis, Leiden University Medical Center (LUMC)
Classification: Likely benign. Review status: no assertion criteria provided. Collection method: clinical testing. Allele origin: germline. Affected: yes. Study: VKGL Data-share Consensus. Not counted in ClinVar's aggregate classification.

NM_001017420.3(ESCO2):c.1031A>C (p.Gln344Pro)

Gene: ESCO2 (establishment of sister chromatid cohesion N-acetyltransferase 2; plus strand). Cytogenetic location: 8p21.1.
Variant type: single nucleotide variant.
Coding change: c.1031A>C on transcript NM_001017420.3 (MANE Select); coding-DNA position 1031, A replaced by C.
Protein change: p.Gln344Pro; replaces glutamine 344 with proline.
Molecular consequence: missense variant.
Genome position (GRCh38, 1-based): chr8:27,787,902, A>C. VCF-style: chr8-27787902-A-C. GRCh37 (hg19) VCF-style: chr8-27645419-A-C.
Other names: short protein forms Q344P.
Identifiers: ClinVar variation 198112 (VCV000198112.13), dbSNP rs143346057, ClinGen allele CA246605.
Genomic context (GRCh38, chr8:27,787,902, plus strand): 5'-CTCCAAAATTGTAAATTTATATATATCAACTTTCTGTGTCAAGATCTTTAGGTGAAGAAC[A>C]GTTTTCTGTGGGATCTGTCAACTTCATGAAACAGACCAATATCCAGAAAAATACTAATAC-3'
Protein context (NP_001017420.1, residues 334-354): VNSKRSLGEE[Gln344Pro]FSVGSVNFMK